The following is an entry in ClinVar:

ClinVar aggregate classification (germline): Uncertain significance (1 of 4 stars; one submission).

gnomAD v4.1: 39 of 1,614,134 alleles (0.0024%); highest among the groups gnomAD compares: Non-Finnish European, 0.0032%; no homozygotes.

Submission:

Labcorp Genetics (formerly Invitae), Labcorp
Classification: Uncertain significance. Last evaluated: 2023-08-16. Review status: criteria provided, single submitter. Criteria: Invitae Variant Classification Sherloc (09022015). Collection method: clinical testing. Allele origin: germline.
Comment: In summary, the available evidence is currently insufficient to determine the role of this variant in disease. Therefore, it has been classified as a Variant of Uncertain Significance. An algorithm developed to predict the effect of missense changes on protein structure and function (PolyPhen-2) suggests that this variant is likely to be tolerated. ClinVar contains an entry for this variant (Variation ID: 856267). This variant has not been reported in the literature in individuals affected with EFEMP1-related conditions. This variant is present in population databases (no rsID available, gnomAD 0.007%). This sequence change replaces leucine, which is neutral and non-polar, with phenylalanine, which is neutral and non-polar, at codon 113 of the EFEMP1 protein (p.Leu113Phe).

NM_001039348.3(EFEMP1):c.339G>C (p.Leu113Phe)

Gene: EFEMP1 (EGF-like fibulin extracellular matrix protein 1; minus strand). Cytogenetic location: 2p16.1.
Variant type: single nucleotide variant.
Coding change: c.339G>C on transcript NM_001039348.3 (MANE Select); coding-DNA position 339, G replaced by C.
Protein change: p.Leu113Phe; replaces leucine 113 with phenylalanine.
Molecular consequence: missense variant.
Genome position (GRCh38, 1-based): chr2:55,917,843, C>G on the plus strand (G>C on the coding strand, the complement: EFEMP1 is on the minus strand). VCF-style: chr2-55917843-C-G. GRCh37 (hg19) VCF-style: chr2-56144978-C-G.
Other names: c.339G>C, p.Leu113Phe (NM_001039349.3); short protein forms L113F.
Identifiers: ClinVar variation 856267 (VCV000856267.9), dbSNP rs200070678, ClinGen allele CA347026670.